The following is an entry in ClinVar:

NM_005223.4(DNASE1):c.499G>A (p.Asp167Asn)

Gene: DNASE1 (deoxyribonuclease 1; plus strand). Cytogenetic location: 16p13.3.
Variant type: single nucleotide variant.
Coding change: c.499G>A on transcript NM_005223.4 (MANE Select); coding-DNA position 499, G replaced by A.
Protein change: p.Asp167Asn; replaces aspartic acid 167 with asparagine.
Molecular consequence: missense variant. On other transcripts: non-coding transcript variant (2).
Genome position (GRCh38, 1-based): chr16:3,657,061, G>A. VCF-style: chr16-3657061-G-A. GRCh37 (hg19) VCF-style: chr16-3707062-G-A.
Other names: c.499G>A, p.Asp167Asn (NM_001351825.2, NM_001387135.1, NM_001387140.1); c.568G>A, p.Asp190Asn (NM_001387139.1); c.292G>A, p.Asp98Asn (NM_001387141.1); short protein forms D167N, D190N, D98N.
Identifiers: ClinVar variation 3375023 (VCV003375023.1).

ClinVar aggregate classification (germline): Uncertain significance (1 of 4 stars; one submission).

gnomAD v4.1: 99 of 1,613,712 alleles (0.0061%); highest among the groups gnomAD compares: Non-Finnish European, 0.0083%; no homozygotes.

Submission:

Women's Health and Genetics/Laboratory Corporation of America, LabCorp
Classification: Uncertain significance. Last evaluated: 2024-09-05. Review status: criteria provided, single submitter. Criteria: LabCorp Variant Classification Summary - May 2015. Collection method: clinical testing. Allele origin: germline.
Comment: Variant summary: DNASE1 c.499G>A (p.Asp167Asn) results in a conservative amino acid change located in the Endonuclease/exonuclease/phosphatase domain of the encoded protein sequence. Five of five in-silico tools predict a benign effect of the variant on protein function. The variant allele was found at a frequency of 3.2e-05 in 251268 control chromosomes. The available data on variant occurrences in the general population are insufficient to allow any conclusion about variant significance. c.499G>A has been reported in the literature in one individual affected with hemophagocytic lymphohistiocytosis. These report(s) do not provide unequivocal conclusions about association of the variant with Systemic Lupus Erythematosus. To our knowledge, no experimental evidence demonstrating an impact on protein function has been reported. The following publication have been ascertained in the context of this evaluation (PMID: 33513601). No submitters have cited clinical-significance assessments for this variant to ClinVar. Based on the evidence outlined above, the variant was classified as uncertain significance.

Literature cited by the submitters: PubMed 33513601.